The following is an entry in ClinVar:

ClinVar aggregate classification (germline): Conflicting classifications of pathogenicity. Review status: criteria provided, conflicting classifications (1 of 4 stars). 2 submissions from 2 submitters: Uncertain significance (1); Likely benign (1). Last evaluated 2025-01-01.

Allele frequency attached by ClinVar (database versions not stated): ExAC 0.00001; TOPMed 0.00006; gnomAD 0.00013.
gnomAD v4.1: 172 of 1,613,884 alleles (0.011%); highest among the groups gnomAD compares: East Asian, 0.013%; no homozygotes.

Submissions (2):

CeGaT Center for Human Genetics Tuebingen
Classification: Likely benign. Last evaluated: 2025-01-01. Review status: criteria provided, single submitter. Criteria: CeGaT Center For Human Genetics Tuebingen Variant Classification Criteria Version 2. Collection method: clinical testing. Allele origin: germline. Affected: yes. Observed: 1 variant allele.
Comment: SHANK2: BP4, BP7

Genetic Services Laboratory, University of Chicago
Classification: Uncertain significance. Last evaluated: 2015-10-29. Review status: criteria provided, single submitter. Criteria: ACMG Guidelines, 2015. Collection method: clinical testing. Allele origin: germline. Affected: no.

NM_012309.5(SHANK2):c.4296G>A (p.Pro1432=)

Gene: SHANK2 (SH3 and multiple ankyrin repeat domains 2; minus strand). Cytogenetic location: 11q13.3.
Variant type: single nucleotide variant.
Coding change: c.4296G>A on transcript NM_012309.5 (MANE Select); coding-DNA position 4296, G replaced by A.
Protein change: p.Pro1432=; no amino-acid change (proline 1432 retained).
Molecular consequence: synonymous variant.
Genome position (GRCh38, 1-based): chr11:70,485,997, C>T on the plus strand (G>A on the coding strand, the complement: SHANK2 is on the minus strand). VCF-style: chr11-70485997-C-T. GRCh37 (hg19) VCF-style: chr11-70332102-C-T.
Other names: c.3159G>A, p.Pro1053= (NM_001379226.1); c.2532G>A, p.Pro844= (NM_133266.5).
Identifiers: ClinVar variation 436714 (VCV000436714.19), dbSNP rs559537625, ClinGen allele CA6160943.